The following is an entry in ClinVar:

NM_018082.6(POLR3B):c.1137del (p.Lys379fs)

Gene: POLR3B (RNA polymerase III subunit B; plus strand). Cytogenetic location: 12q23.3.
Variant type: Deletion.
Coding change: c.1137del on transcript NM_018082.6 (MANE Select); coding-DNA position 1137, one base deleted (A; older notation c.1137delA).
Protein change: p.Lys379fs; shifts the reading frame from lysine 379.
Molecular consequence: frameshift variant.
Genome position (GRCh38, 1-based): chr12:106,427,232, A deleted; the last of 6 consecutive A bases (chr12:106,427,227-106,427,232); deleting any one gives the same sequence. VCF-style (leftmost placement, unchanged base first): chr12-106427226-CA-C. GRCh37 (hg19) VCF-style: chr12-106821004-CA-C.
Other names: c.963del, p.Lys321fs (NM_001160708.2); short protein forms K321fs, K379fs.
Identifiers: ClinVar variation 5019033 (VCV005019033.2).

ClinVar aggregate classification (germline): Likely pathogenic (1 of 4 stars; one submission).

Conditions:
Charcot-Marie-Tooth disease, demyelinating, IIA 1I. Also called: CHARCOT-MARIE-TOOTH NEUROPATHY, TYPE 1I; Charcot-Marie-Tooth disease, demyelinating, type 1I. Identifiers: MedGen C5676914, MONDO:0030677, OMIM 619742.
Leukodystrophy, hypomyelinating, 8, with or without oligodontia and/or hypogonadotropic hypogonadism. Also called: Hypomyelinating leukodystrophy 8 with or without oligodontia and-or hypogonadotropic hypogonadism; Endosteal sclerosis-cerebellar hypoplasia syndrome; LEUKODYSTROPHY, HYPOMYELINATING, 8, WITH HYPODONTIA AND HYPOGONADOTROPIC HYPOGONADISM. Identifiers: Orphanet 85186, Orphanet 88637, MedGen C3280644, MONDO:0013722, OMIM 614381.

Submission:

Juno Genomics, Hangzhou Juno Genomics, Inc
Classification: Likely pathogenic for Charcot-Marie-Tooth disease, demyelinating, IIA 1I; Leukodystrophy, hypomyelinating, 8, with or without oligodontia and/or hypogonadotropic hypogonadism. Review status: criteria provided, single submitter. Criteria: ACMG Guidelines, 2015. Collection method: clinical testing. Allele origin: germline.
Comment: Absent from controls (or at extremely low frequency if recessive) in Genome Aggregation Database.;Null variant in a gene where loss of function (LOF) is a known mechanism of disease.